The following is an entry in ClinVar:

NM_000169.3(GLA):c.322G>A (p.Ala108Thr)

Genes: GLA (galactosidase alpha; minus strand), RPL36A-HNRNPH2 (RPL36A-HNRNPH2 readthrough; plus strand). Cytogenetic location: Xq22.1.
Variant type: single nucleotide variant.
Coding change: c.322G>A on transcript NM_000169.3 (MANE Select); coding-DNA position 322, G replaced by A.
Protein change: p.Ala108Thr; replaces alanine 108 with threonine.
Molecular consequence: missense variant. On other transcripts: non-coding transcript variant (3), intron variant (2).
Genome position (GRCh38, 1-based): chrX:101,403,858, C>T on the plus strand (G>A on the coding strand, the complement: GLA is on the minus strand). VCF-style: chrX-101403858-C-T. GRCh37 (hg19) VCF-style: chrX-100658846-C-T.
Other names: c.445G>A, p.Ala149Thr (NM_001406747.1, NM_001406749.1); c.322G>A, p.Ala108Thr (NM_001406748.1); c.301-8078C>T (NM_001199973.2); c.178-8078C>T (NM_001199974.2); short protein forms A149T, A108T.
Identifiers: ClinVar variation 3724328 (VCV003724328.4).

ClinVar aggregate classification (germline): Uncertain significance. Review status: criteria provided, multiple submitters, no conflicts (2 of 4 stars). 2 submissions from 2 submitters: Uncertain significance (2). Last evaluated 2026-09-08.

Conditions:
Fabry disease. Also called: ALPHA-GALACTOSIDASE A DEFICIENCY; Fabry's disease; Ceramide trihexosidosis; Angiokeratoma corporis diffusum; ANDERSON-FABRY DISEASE; CERAMIDE TRIHEXOSIDASE DEFICIENCY. Identifiers: Orphanet 324, MedGen C0002986, MONDO:0010526, OMIM 301500, HP:0001071. Disease mechanism: loss of function, Fabry disease is due to inactivating mutations in the X-linked GLA gene resulting in deficiency of the enzyme Alpha Galactosidase-A..

Submissions (2):

Genomenon, Inc
Classification: Uncertain significance for Fabry disease. Last evaluated: 2026-09-08. Review status: criteria provided, single submitter. Criteria: Genomenon Sequence Variant Interpretation Standards - Updated. Collection method: curation. Allele origin: germline. Affected: yes.
Comment: GLA p.Ala108Thr (c.322G>A) is a missense variant that changes the amino acid at codon 108 from Alanine to Threonine. This variant has been observed in at least one proband with clinical features consistent with Fabry disease (PMID:28615118). Functional or patient cell studies have been reported (PMID:31036492;28615118;27657681;23826564). It is absent or not present at a significant frequency in gnomAD. In silico models predict that this variant is possibly or probably damaging. In conclusion, we classify GLA p.Ala108Thr (c.322G>A) as a variant of uncertain significance.

Labcorp Genetics (formerly Invitae), Labcorp
Classification: Uncertain significance for Fabry disease. Last evaluated: 2024-11-24. Review status: criteria provided, single submitter. Criteria: Invitae Variant Classification Sherloc (09022015). Collection method: clinical testing. Allele origin: germline.
Comment: This sequence change replaces alanine, which is neutral and non-polar, with threonine, which is neutral and polar, at codon 108 of the GLA protein (p.Ala108Thr). This variant is not present in population databases (gnomAD no frequency). This missense change has been observed in individual(s) with clinical features of GLA-related conditions (PMID: 22063097, 28615118). Invitae Evidence Modeling of protein sequence and biophysical properties (such as structural, functional, and spatial information, amino acid conservation, physicochemical variation, residue mobility, and thermodynamic stability) indicates that this missense variant is not expected to disrupt GLA protein function with a negative predictive value of 80%. Experimental studies have shown that this missense change affects GLA function (PMID: 28615118). In summary, the available evidence is currently insufficient to determine the role of this variant in disease. Therefore, it has been classified as a Variant of Uncertain Significance.

Literature cited by the submitters: PubMed 28615118 (cited by Genomenon, Inc and Labcorp Genetics (formerly Invitae), Labcorp); PubMed 31036492 (cited by Genomenon, Inc); PubMed 27657681 (cited by Genomenon, Inc); PubMed 23826564 (cited by Genomenon, Inc); PubMed 22063097 (cited by Labcorp Genetics (formerly Invitae), Labcorp).